The following is an entry in ClinVar:

ClinVar aggregate classification (germline): Pathogenic (1 of 4 stars; one submission).

Submission:

Labcorp Genetics (formerly Invitae), Labcorp
Classification: Pathogenic. Last evaluated: 2022-05-12. Review status: criteria provided, single submitter. Criteria: Invitae Variant Classification Sherloc (09022015). Collection method: clinical testing. Allele origin: germline.
Comment: This sequence change creates a premature translational stop signal (p.Tyr937Serfs*4) in the POLE gene. It is expected to result in an absent or disrupted protein product. Loss-of-function variants in POLE are known to be pathogenic (PMID: 23230001, 25948378, 30503519). This variant is not present in population databases (gnomAD no frequency). This variant has not been reported in the literature in individuals affected with POLE-related conditions. ClinVar contains an entry for this variant (Variation ID: 1057307). For these reasons, this variant has been classified as Pathogenic.

Literature cited by the submitters: PubMed 23230001; PubMed 25948378; PubMed 30503519.

NM_006231.4(POLE):c.2809_2811delinsAG (p.Tyr937fs)

Gene: POLE (DNA polymerase epsilon, catalytic subunit; minus strand). Cytogenetic location: 12q24.33.
Variant type: Indel.
Coding change: c.2809_2811delinsAG on transcript NM_006231.4 (MANE Select); coding-DNA positions 2809 to 2811, TAC replaced by AG.
Protein change: p.Tyr937fs; shifts the reading frame from tyrosine 937.
Molecular consequence: frameshift variant.
Genome position (GRCh38, 1-based): chr12:132,661,580-132,661,582, GTA replaced by CT on the plus strand (TAC replaced by AG on the coding strand, the reverse complement: POLE is on the minus strand). VCF-style: chr12-132661580-GTA-CT. GRCh37 (hg19) VCF-style: chr12-133238166-GTA-CT.
Other names: short protein forms Y937fs.
Identifiers: ClinVar variation 2907383 (VCV002907383.3), dbSNP rs2542046843, ClinGen allele CA2739277370.